The following is an entry in ClinVar:

ClinVar aggregate classification (germline): Uncertain significance (1 of 4 stars; one submission).

Submission:

Labcorp Genetics (formerly Invitae), Labcorp
Classification: Uncertain significance. Last evaluated: 2024-12-02. Review status: criteria provided, single submitter. Criteria: Invitae Variant Classification Sherloc (09022015). Collection method: clinical testing. Allele origin: germline.
Comment: This sequence change replaces alanine, which is neutral and non-polar, with threonine, which is neutral and polar, at codon 350 of the BEST1 protein (p.Ala350Thr). This variant is not present in population databases (gnomAD no frequency). This variant has not been reported in the literature in individuals affected with BEST1-related conditions. ClinVar contains an entry for this variant (Variation ID: 2116875). Invitae Evidence Modeling of protein sequence and biophysical properties (such as structural, functional, and spatial information, amino acid conservation, physicochemical variation, residue mobility, and thermodynamic stability) indicates that this missense variant is expected to disrupt BEST1 protein function with a positive predictive value of 95%. In summary, the available evidence is currently insufficient to determine the role of this variant in disease. Therefore, it has been classified as a Variant of Uncertain Significance.

NM_004183.4(BEST1):c.1048G>A (p.Ala350Thr)

Gene: BEST1 (bestrophin 1; plus strand). Cytogenetic location: 11q12.3.
Variant type: single nucleotide variant.
Coding change: c.1048G>A on transcript NM_004183.4 (MANE Select); coding-DNA position 1048, G replaced by A.
Protein change: p.Ala350Thr; replaces alanine 350 with threonine.
Molecular consequence: missense variant. On other transcripts: synonymous variant (1), non-coding transcript variant (1).
Genome position (GRCh38, 1-based): chr11:61,959,991, G>A. VCF-style: chr11-61959991-G-A. GRCh37 (hg19) VCF-style: chr11-61727463-G-A.
Other names: c.868G>A, p.Ala290Thr (NM_001139443.3, NM_001300787.2); c.787G>A, p.Ala263Thr (NM_001300786.2); c.730G>A, p.Ala244Thr (NM_001363591.3); c.1251G>A, p.Leu417= (NM_001363592.2); c.76G>A, p.Ala26Thr (NM_001363593.3); short protein forms A244T, A263T, A350T, A26T, A290T.
Identifiers: ClinVar variation 2116875 (VCV002116875.4), dbSNP rs1201319805, ClinGen allele CA380846294.
Genomic context (GRCh38, chr11:61,959,991, plus strand): 5'-CCTCGGATGGAGCCGGACATGTACTGGAATAAGCCCGAGCCACAGCCCCCCTACACAGCT[G>A]CTTCCGCCCAGTTCCGTCGAGCCTCCTTTATGGGCTCCACCTTCAACATCAGGTGTGGCC-3'
Protein context (NP_004174.1, residues 340-360): KPEPQPPYTA[Ala350Thr]SAQFRRASFM